The following is an entry in ClinVar:

ClinVar aggregate classification (germline): Uncertain significance (1 of 4 stars; one submission).

Conditions:
Tatton-Brown-Rahman overgrowth syndrome. Also called: Tall stature-intellectual disability-facial dysmorphism syndrome; Tatton-Brown-Rahman syndrome. Identifiers: Orphanet 404443, MedGen C4014545, MONDO:0014382, OMIM 615879.

Submission:

Labcorp Genetics (formerly Invitae), Labcorp
Classification: Uncertain significance for Tatton-Brown-Rahman overgrowth syndrome. Last evaluated: 2024-06-20. Review status: criteria provided, single submitter. Criteria: Invitae Variant Classification Sherloc (09022015). Collection method: clinical testing. Allele origin: germline.
Comment: This sequence change replaces cysteine, which is neutral and slightly polar, with tryptophan, which is neutral and slightly polar, at codon 549 of the DNMT3A protein (p.Cys549Trp). This variant is not present in population databases (gnomAD no frequency). This variant has not been reported in the literature in individuals affected with DNMT3A-related conditions. Advanced modeling of protein sequence and biophysical properties (such as structural, functional, and spatial information, amino acid conservation, physicochemical variation, residue mobility, and thermodynamic stability) performed at Invitae indicates that this missense variant is expected to disrupt DNMT3A protein function with a positive predictive value of 80%. In summary, the available evidence is currently insufficient to determine the role of this variant in disease. Therefore, it has been classified as a Variant of Uncertain Significance.

NM_022552.5(DNMT3A):c.1647C>G (p.Cys549Trp)

Gene: DNMT3A (DNA methyltransferase 3 alpha; minus strand). Cytogenetic location: 2p23.3.
Variant type: single nucleotide variant.
Coding change: c.1647C>G on transcript NM_022552.5 (MANE Select); coding-DNA position 1647, C replaced by G.
Protein change: p.Cys549Trp; replaces cysteine 549 with tryptophan.
Molecular consequence: missense variant. On other transcripts: non-coding transcript variant (1).
Genome position (GRCh38, 1-based): chr2:25,244,560, G>C on the plus strand (C>G on the coding strand, the complement: DNMT3A is on the minus strand). VCF-style: chr2-25244560-G-C. GRCh37 (hg19) VCF-style: chr2-25467429-G-C.
Other names: c.978C>G, p.Cys326Trp (NM_001375819.1); c.1080C>G, p.Cys360Trp (NM_153759.3); c.1647C>G, p.Cys549Trp (NM_175629.2); c.1191C>G, p.Cys397Trp (NM_001320893.1); short protein forms C360W, C326W, C397W, C549W.
Identifiers: ClinVar variation 3651473 (VCV003651473.2).